The following is an entry in ClinVar:

NM_152296.5(ATP1A3):c.1294G>A (p.Val432Met)

Gene: ATP1A3 (ATPase Na+/K+ transporting subunit alpha 3; minus strand). Cytogenetic location: 19q13.2.
Variant type: single nucleotide variant.
Coding change: c.1294G>A on transcript NM_152296.5 (MANE Select); coding-DNA position 1294, G replaced by A.
Protein change: p.Val432Met; replaces valine 432 with methionine.
Molecular consequence: missense variant.
Genome position (GRCh38, 1-based): chr19:41,981,730, C>T on the plus strand (G>A on the coding strand, the complement: ATP1A3 is on the minus strand). VCF-style: chr19-41981730-C-T. GRCh37 (hg19) VCF-style: chr19-42485882-C-T.
Other names: c.1327G>A, p.Val443Met (NM_001256213.2); c.1333G>A, p.Val445Met (NM_001256214.2); short protein forms V432M, V443M, V445M.
Identifiers: ClinVar variation 4072681 (VCV004072681.2).
Genomic context (GRCh38, chr19:41,981,730, plus strand): 5'-GCTGAGGGGAGGACACAGGCAGGGCCGAGGTGAGGCCAGTAGCTGAACCCACCTTGAGCA[C>T]AGGGATGTTGTCCTGACCACCCTTGAAGACAGCGCGATTGCAGAGCCCAGCGATGTGAGA-3'
Protein context (NP_689509.1, residues 422-442): VFKGGQDNIP[Val432Met]LKRDVAGDAS

ClinVar aggregate classification (germline): Uncertain significance (1 of 4 stars; one submission).

Submission:

GeneDx
Classification: Uncertain significance. Last evaluated: 2026-06-12. Review status: criteria provided, single submitter. Criteria: GeneDx Variant Classification Process June 2021. Collection method: clinical testing. Allele origin: germline.
Comment: Not observed at significant frequency in large population cohorts (gnomAD); In silico analysis indicates that this missense variant does not alter protein structure/function; Has not been previously published as pathogenic or benign to our knowledge